The following is an entry in ClinVar:

NM_001184.4(ATR):c.2458G>A (p.Val820Ile)

Gene: ATR (ATR checkpoint kinase; minus strand). Cytogenetic location: 3q23.
Variant type: single nucleotide variant.
Coding change: c.2458G>A on transcript NM_001184.4 (MANE Select); coding-DNA position 2458, G replaced by A.
Protein change: p.Val820Ile; replaces valine 820 with isoleucine.
Molecular consequence: missense variant.
Genome position (GRCh38, 1-based): chr3:142,553,899, C>T on the plus strand (G>A on the coding strand, the complement: ATR is on the minus strand). VCF-style: chr3-142553899-C-T. GRCh37 (hg19) VCF-style: chr3-142272741-C-T.
Other names: c.2266G>A, p.Val756Ile (NM_001354579.2); short protein forms V756I, V820I.
Identifiers: ClinVar variation 1791575 (VCV001791575.4), dbSNP rs970577604, ClinGen allele CA84746247.

ClinVar aggregate classification (germline): Uncertain significance. Review status: criteria provided, multiple submitters, no conflicts (2 of 4 stars). 2 submissions from 2 submitters: Uncertain significance (2). Last evaluated 2026-08-31.

Conditions:
Inborn genetic diseases. Identifiers: MedGen C0950123, MeSH D030342.

Allele frequency attached by ClinVar (database versions not stated): TOPMed 0.00001; gnomAD exomes 0.00001.
gnomAD v4.1: 3 of 1,613,422 alleles (0.00019%); highest among the groups gnomAD compares: Admixed American, 0.0033%; no homozygotes.

Submissions (2):

Ambry Genetics
Classification: Uncertain significance for Inborn genetic diseases. Last evaluated: 2026-08-31. Review status: criteria provided, single submitter. Criteria: Ambry Variant Classification Scheme 2023. Collection method: clinical testing. Allele origin: germline.
Comment: The c.2458G>A (p.V820I) alteration is located in exon 11 (coding exon 11) of the ATR gene. This alteration results from a G to A substitution at nucleotide position 2458, causing the valine (V) at amino acid position 820 to be replaced by an isoleucine (I). Based on data from gnomAD, the A allele has an overall frequency of 0.001% (2/251010) total alleles studied. The highest observed frequency was 0.006% (2/34506) of Latino alleles. Based on insufficient or conflicting evidence, the clinical significance of this alteration remains unclear.

Women's Health and Genetics/Laboratory Corporation of America, LabCorp
Classification: Uncertain significance. Last evaluated: 2024-11-06. Review status: criteria provided, single submitter. Criteria: LabCorp Variant Classification Summary - May 2015. Collection method: clinical testing. Allele origin: germline.
Comment: Variant summary: ATR c.2458G>A (p.Val820Ile) results in a conservative amino acid change located in the HEAT repeat profile domain (IPR021133) of the encoded protein sequence. Three of five in-silico tools predict a damaging effect of the variant on protein function. The variant allele was found at a frequency of 8e-06 in 251010 control chromosomes. The available data on variant occurrences in the general population are insufficient to allow any conclusion about variant significance. To our knowledge, no occurrence of c.2458G>A in individuals affected with &phenotype& and no experimental evidence demonstrating its impact on protein function have been reported. ClinVar contains an entry for this variant (Variation ID: 1791575). Based on the evidence outlined above, the variant was classified as uncertain significance.